The following is an entry in ClinVar:

ClinVar aggregate classification (germline): Uncertain significance (1 of 4 stars; one submission).

Conditions:
Spermatogenic failure 18. Identifiers: MedGen C4539783, MONDO:0054615, OMIM 617576.
Ciliary dyskinesia, primary, 37 (CILD37). Also called: CILIARY DYSKINESIA, PRIMARY, 37, WITH OR WITHOUT SITUS INVERSUS. Identifiers: MedGen C4539798, MONDO:0033204, OMIM 617577.

Allele frequency attached by ClinVar (database versions not stated): gnomAD exomes below 0.00001.
gnomAD v4.1: 2 of 1,591,024 alleles (0.00013%); highest among the groups gnomAD compares: Admixed American, 0.0035%; no homozygotes.

Submission:

Labcorp Genetics (formerly Invitae), Labcorp
Classification: Uncertain significance for Ciliary dyskinesia, primary, 37; Spermatogenic failure 18. Last evaluated: 2024-01-29. Review status: criteria provided, single submitter. Criteria: Invitae Variant Classification Sherloc (09022015). Collection method: clinical testing. Allele origin: germline.
Comment: This sequence change replaces valine, which is neutral and non-polar, with methionine, which is neutral and non-polar, at codon 2948 of the DNAH1 protein (p.Val2948Met). The frequency data for this variant in the population databases is considered unreliable, as metrics indicate poor data quality at this position in the gnomAD database. This variant has not been reported in the literature in individuals affected with DNAH1-related conditions. Advanced modeling of protein sequence and biophysical properties (such as structural, functional, and spatial information, amino acid conservation, physicochemical variation, residue mobility, and thermodynamic stability) performed at Invitae indicates that this missense variant is expected to disrupt DNAH1 protein function with a positive predictive value of 80%. In summary, the available evidence is currently insufficient to determine the role of this variant in disease. Therefore, it has been classified as a Variant of Uncertain Significance.

NM_015512.5(DNAH1):c.8842G>A (p.Val2948Met)

Gene: DNAH1 (dynein axonemal heavy chain 1; plus strand). Cytogenetic location: 3p21.1.
Variant type: single nucleotide variant.
Coding change: c.8842G>A on transcript NM_015512.5 (MANE Select); coding-DNA position 8842, G replaced by A.
Protein change: p.Val2948Met; replaces valine 2948 with methionine.
Molecular consequence: missense variant.
Genome position (GRCh38, 1-based): chr3:52,386,692, G>A. VCF-style: chr3-52386692-G-A. GRCh37 (hg19) VCF-style: chr3-52420708-G-A.
Other names: short protein forms V2948M.
Identifiers: ClinVar variation 2923535 (VCV002923535.3), dbSNP rs1258381027, ClinGen allele CA353192041.